The following is an entry in ClinVar:

ClinVar aggregate classification (germline): Benign/Likely benign. Review status: criteria provided, multiple submitters, no conflicts (2 of 4 stars). 4 submissions from 4 submitters: Benign (1); Likely benign (3). Last evaluated 2026-01-11.

Conditions:
Connective tissue disorder. Also called: Connective tissue disease. Identifiers: MedGen C0009782, MONDO:0003900.
Congenital contractural arachnodactyly (CCA). Also called: BEALS SYNDROME; Beals-Hecht syndrome; Arthrogryposis, distal, type 9. Identifiers: Orphanet 115, MedGen C0220668, MONDO:0007363, OMIM 121050.

Allele frequency attached by ClinVar (database versions not stated): ESP Exome Variant Server 0.00008; gnomAD 0.00009; TOPMed 0.00015; gnomAD exomes 0.00017 and 0.00019; ExAC 0.00023.
gnomAD v4.1: 299 of 1,613,580 alleles (0.019%); highest among the groups gnomAD compares: Non-Finnish European, 0.023%; 2 homozygotes.

Submissions (4):

Labcorp Genetics (formerly Invitae), Labcorp
Classification: Likely benign for Congenital contractural arachnodactyly. Last evaluated: 2026-01-11. Review status: criteria provided, single submitter. Criteria: Invitae Variant Classification Sherloc (09022015). Collection method: clinical testing. Allele origin: germline.

Blueprint Genetics
Classification: Likely benign. Last evaluated: 2024-09-03. Review status: criteria provided, single submitter. Criteria: ACMG Guidelines, 2015. Collection method: clinical testing. Allele origin: germline.

Center for Human Genetics, Inc
Classification: Likely benign for Connective tissue disorder. Last evaluated: 2018-06-01. Review status: criteria provided, single submitter. Criteria: ACMG Guidelines, 2015. Collection method: clinical testing. Allele origin: germline. Affected: yes.

GeneDx
Classification: Benign. Last evaluated: 2014-12-31. Review status: criteria provided, single submitter. Criteria: GeneDx Variant Classification (06012015). Collection method: clinical testing. Allele origin: germline. Affected: yes.
Comment: This variant is considered likely benign or benign based on one or more of the following criteria: it is a conservative change, it occurs at a poorly conserved position in the protein, it is predicted to be benign by multiple in silico algorithms, and/or has population frequency not consistent with disease.

NM_001999.4(FBN2):c.5549-18G>A

Gene: FBN2 (fibrillin 2; minus strand). Cytogenetic location: 5q23.3.
Variant type: single nucleotide variant.
Coding change: c.5549-18G>A on transcript NM_001999.4 (MANE Select); 18 bases into the intron before coding-DNA position 5549, G replaced by A.
Molecular consequence: intron variant.
Genome position (GRCh38, 1-based): chr5:128,305,654, C>T on the plus strand (G>A on the coding strand, the complement: FBN2 is on the minus strand). VCF-style: chr5-128305654-C-T. GRCh37 (hg19) VCF-style: chr5-127641346-C-T.
Identifiers: ClinVar variation 213237 (VCV000213237.10), dbSNP rs371995872, ClinGen allele CA322129.